The following is an entry in ClinVar:

NM_003136.4(SRP54):c.1325A>T (p.Lys442Ile)

Gene: SRP54 (signal recognition particle 54; plus strand). Cytogenetic location: 14q13.2.
Variant type: single nucleotide variant.
Coding change: c.1325A>T on transcript NM_003136.4 (MANE Select); coding-DNA position 1325, A replaced by T.
Protein change: p.Lys442Ile; replaces lysine 442 with isoleucine.
Molecular consequence: missense variant. On other transcripts: intron variant (1).
Genome position (GRCh38, 1-based): chr14:35,023,078, A>T. VCF-style: chr14-35023078-A-T. GRCh37 (hg19) VCF-style: chr14-35492284-A-T.
Other names: c.1178A>T, p.Lys393Ile (NM_001146282.2); c.1325A>T, p.Lys442Ile (NM_001440813.1); c.1156+4004A>T (NM_001411017.1); short protein forms K393I, K442I.
Identifiers: ClinVar variation 4722596 (VCV004722596.1).

ClinVar aggregate classification (germline): Uncertain significance (1 of 4 stars; one submission).

Submission:

Labcorp Genetics (formerly Invitae), Labcorp
Classification: Uncertain significance. Last evaluated: 2025-07-03. Review status: criteria provided, single submitter. Criteria: Invitae Variant Classification Sherloc (09022015). Collection method: clinical testing. Allele origin: germline.
Comment: This sequence change replaces lysine, which is basic and polar, with isoleucine, which is neutral and non-polar, at codon 442 of the SRP54 protein (p.Lys442Ile). This variant is not present in population databases (gnomAD no frequency). This variant has not been reported in the literature in individuals affected with SRP54-related conditions. An algorithm developed to predict the effect of missense changes on protein structure and function (PolyPhen-2) suggests that this variant is likely to be disruptive. In summary, the available evidence is currently insufficient to determine the role of this variant in disease. Therefore, it has been classified as a Variant of Uncertain Significance.